The following is an entry in ClinVar:

ClinVar aggregate classification (germline): Uncertain significance (1 of 4 stars; one submission).

Allele frequency attached by ClinVar (database versions not stated): gnomAD exomes below 0.00001 and 0.00001; gnomAD 0.00001; TOPMed 0.00003.
gnomAD v4.1: 6 of 1,613,880 alleles (0.00037%); highest among the groups gnomAD compares: African/African-American, 0.004%; no homozygotes.

Submission:

GeneDx
Classification: Uncertain significance. Last evaluated: 2019-08-26. Review status: criteria provided, single submitter. Criteria: GeneDx Variant Classification Process June 2021. Collection method: clinical testing. Allele origin: germline. Affected: yes.
Comment: In silico analysis, which includes protein predictors and evolutionary conservation, supports a deleterious effect; Has not been previously published as pathogenic or benign to our knowledge

NM_001715.3(BLK):c.1283T>C (p.Val428Ala)

Gene: BLK (BLK proto-oncogene, Src family tyrosine kinase). Cytogenetic location: 8p23.1.
Variant type: single nucleotide variant.
Coding change: c.1283T>C on transcript NM_001715.3 (MANE Select); coding-DNA position 1283, T replaced by C.
Protein change: p.Val428Ala; replaces valine 428 with alanine.
Molecular consequence: missense variant.
Genome position (GRCh38, 1-based): chr8:11,563,081, T>C. VCF-style: chr8-11563081-T-C. GRCh37 (hg19) VCF-style: chr8-11420590-T-C.
Other names: c.1070T>C, p.Val357Ala (NM_001330465.2); short protein forms V357A, V428A.
Identifiers: ClinVar variation 1308155 (VCV001308155.2), dbSNP rs897649644, ClinGen allele CA172094341.